The following is an entry in ClinVar:

ClinVar aggregate classification (germline): Uncertain significance (1 of 4 stars; one submission).

Allele frequency attached by ClinVar (database versions not stated): gnomAD exomes below 0.00001.
gnomAD v4.1: 6 of 1,611,710 alleles (0.00037%); highest among the groups gnomAD compares: Non-Finnish European, 0.00025%; no homozygotes.

Submission:

Labcorp Genetics (formerly Invitae), Labcorp
Classification: Uncertain significance. Last evaluated: 2024-04-25. Review status: criteria provided, single submitter. Criteria: Invitae Variant Classification Sherloc (09022015). Collection method: clinical testing. Allele origin: germline.
Comment: This sequence change replaces alanine, which is neutral and non-polar, with valine, which is neutral and non-polar, at codon 170 of the DGAT1 protein (p.Ala170Val). This variant is not present in population databases (gnomAD no frequency). This variant has not been reported in the literature in individuals affected with DGAT1-related conditions. ClinVar contains an entry for this variant (Variation ID: 1978508). Advanced modeling of protein sequence and biophysical properties (such as structural, functional, and spatial information, amino acid conservation, physicochemical variation, residue mobility, and thermodynamic stability) performed at Invitae indicates that this missense variant is not expected to disrupt DGAT1 protein function with a negative predictive value of 80%. In summary, the available evidence is currently insufficient to determine the role of this variant in disease. Therefore, it has been classified as a Variant of Uncertain Significance.

NM_012079.6(DGAT1):c.509C>T (p.Ala170Val)

Gene: DGAT1 (diacylglycerol O-acyltransferase 1; minus strand). Cytogenetic location: 8q24.3.
Variant type: single nucleotide variant.
Coding change: c.509C>T on transcript NM_012079.6 (MANE Select); coding-DNA position 509, C replaced by T.
Protein change: p.Ala170Val; replaces alanine 170 with valine.
Molecular consequence: missense variant.
Genome position (GRCh38, 1-based): chr8:144,318,526, G>A on the plus strand (C>T on the coding strand, the complement: DGAT1 is on the minus strand). VCF-style: chr8-144318526-G-A. GRCh37 (hg19) VCF-style: chr8-145542189-G-A.
Other names: short protein forms A170V.
Identifiers: ClinVar variation 1978508 (VCV001978508.3), dbSNP rs1305131804, ClinGen allele CA372612445.